The following is an entry in ClinVar:

ClinVar aggregate classification (germline): Uncertain significance (1 of 4 stars; one submission).

Conditions:
Hereditary cancer-predisposing syndrome. Also called: Neoplastic Syndromes, Hereditary; Tumor predisposition; Hereditary neoplastic syndrome; Hereditary Cancer Syndrome. Identifiers: Orphanet 140162, MedGen C0027672, MeSH D009386, MONDO:0015356.

Submission:

Ambry Genetics
Classification: Uncertain significance for Hereditary cancer-predisposing syndrome. Last evaluated: 2026-07-06. Review status: criteria provided, single submitter. Criteria: Ambry Variant Classification Scheme 2023. Collection method: clinical testing. Allele origin: germline.
Comment: The p.I437M variant (also known as c.1311T>G), located in coding exon 9 of the BMPR1A gene, results from a T to G substitution at nucleotide position 1311. The isoleucine at codon 437 is replaced by methionine, an amino acid with highly similar properties. This amino acid position is conserved. In addition, the in silico prediction for this alteration is inconclusive. Based on the available evidence, the clinical significance of this variant remains unclear.

NM_004329.3(BMPR1A):c.1311T>G (p.Ile437Met)

Gene: BMPR1A (bone morphogenetic protein receptor type 1A; plus strand). Cytogenetic location: 10q23.2.
Variant type: single nucleotide variant.
Coding change: c.1311T>G on transcript NM_004329.3 (MANE Select); coding-DNA position 1311, T replaced by G.
Protein change: p.Ile437Met; replaces isoleucine 437 with methionine.
Molecular consequence: missense variant. On other transcripts: non-coding transcript variant (3).
Genome position (GRCh38, 1-based): chr10:86,921,664, T>G. VCF-style: chr10-86921664-T-G. GRCh37 (hg19) VCF-style: chr10-88681421-T-G.
Other names: c.1311T>G, p.Ile437Met (NM_001406581.1, NM_001406582.1, NM_001406561.1 and 19 more transcripts); c.1305T>G, p.Ile435Met (NM_001406583.1); c.1227T>G, p.Ile409Met (NM_001406584.1, NM_001406585.1, NM_001406586.1 and 2 more transcripts); c.969T>G, p.Ile323Met (NM_001406589.1); c.1386T>G, p.Ile462Met (NM_001406559.1); c.1359T>G, p.Ile453Met (NM_001406560.1); short protein forms I323M, I435M, I462M, I409M, I453M, I437M.
Identifiers: ClinVar variation 5032979 (VCV005032979.1).